The following is an entry in ClinVar:

ClinVar aggregate classification (germline): Benign. Review status: criteria provided, multiple submitters, no conflicts (2 of 4 stars). 2 submissions from 2 submitters: Benign (2). Last evaluated 2018-06-18.

Allele frequency attached by ClinVar (database versions not stated): gnomAD 0.19253; 1000 Genomes Project 0.21605; ESP Exome Variant Server 0.18292; TOPMed 0.19447; 1000 Genomes Project 30x 0.20878.
gnomAD v4.1: 327,978 of 1,545,860 alleles (21%); highest among the groups gnomAD compares: South Asian, 26%; 35,431 homozygotes.

Submissions (2):

GeneDx
Classification: Benign. Last evaluated: 2018-06-18. Review status: criteria provided, single submitter. Criteria: GeneDx Variant Classification (06012015). Collection method: clinical testing. Allele origin: germline. Affected: yes.
Comment: This variant is considered likely benign or benign based on one or more of the following criteria: it is a conservative change, it occurs at a poorly conserved position in the protein, it is predicted to be benign by multiple in silico algorithms, and/or has population frequency not consistent with disease.

Breakthrough Genomics
Classification: Benign. Review status: criteria provided, single submitter. Criteria: ACMG Guidelines, 2015. Collection method: not provided. Allele origin: germline. Inheritance: Autosomal recessive inheritance. Affected: yes.

NM_001232.4(CASQ2):c.940-39C>G

Gene: CASQ2 (calsequestrin 2; minus strand). Cytogenetic location: 1p13.1.
Variant type: single nucleotide variant.
Coding change: c.940-39C>G on transcript NM_001232.4 (MANE Select); 39 bases into the intron before coding-DNA position 940, C replaced by G.
Molecular consequence: intron variant.
Genome position (GRCh38, 1-based): chr1:115,703,034, G>C on the plus strand (C>G on the coding strand, the complement: CASQ2 is on the minus strand). VCF-style: chr1-115703034-G-C. GRCh37 (hg19) VCF-style: chr1-116245655-G-C.
Identifiers: ClinVar variation 670942 (VCV000670942.2), dbSNP rs12402684, ClinGen allele CA1023673.